The following is an entry in ClinVar:

ClinVar aggregate classification (germline): Conflicting classifications of pathogenicity. Review status: criteria provided, conflicting classifications (1 of 4 stars). 8 submissions from 8 submitters: Uncertain significance (5); Likely benign (3). Last evaluated 2026-02-11.

Conditions:
TTN-related disorder. Also called: TTN-related condition; TTN-related disease; TTN-related disorders.
Cardiovascular phenotype. Identifiers: MedGen CN230736.
Cardiomyopathy (CMYO). Also called: Cardiomyopathies. Identifiers: Orphanet 167848, MedGen C0878544, MONDO:0004994, HP:0001638. Inheritance: Various modes of inheritance.
Tibial muscular dystrophy (TMD). Also called: Tibial muscular dystrophy, tardive; Udd Distal Myopathy – Tibial Muscular Dystrophy; UDD MYOPATHY. Identifiers: Orphanet 609, MedGen C1838244, MONDO:0010870, OMIM 600334.
Hypertrophic cardiomyopathy. Also called: HYPERTROPHIC MYOCARDIOPATHY. Identifiers: Orphanet 217569, MedGen C0007194, MeSH D002312, MONDO:0005045, HP:0001639.

Allele frequency attached by ClinVar (database versions not stated): gnomAD below 0.00001 and 0.00006; TOPMed below 0.00001; gnomAD exomes 0.00010 and 0.00019; ExAC 0.00022; 1000 Genomes Project 30x 0.00094; 1000 Genomes Project 0.00120.
gnomAD v4.1: 155 of 1,613,538 alleles (0.0096%); highest among the groups gnomAD compares: South Asian, 0.16%; 2 homozygotes.

Submissions (8):

PreventionGenetics, part of Exact Sciences
Classification: Likely benign for TTN-related condition. Last evaluated: 2026-02-11. Review status: criteria provided, single submitter. Criteria: ACMG Guidelines, 2015. Collection method: clinical testing. Allele origin: germline.
Comment: This variant is classified as likely benign based on ACMG/AMP sequence variant interpretation guidelines (Richards et al. 2015 PMID: 25741868, with internal and published modifications).

Women's Health and Genetics/Laboratory Corporation of America, LabCorp
Classification: Likely benign. Last evaluated: 2025-09-15. Review status: criteria provided, single submitter. Criteria: LabCorp Variant Classification Summary - May 2015. Collection method: clinical testing. Allele origin: germline.
Comment: Variant summary: TTN c.73332G>T (p.Lys24444Asn) results in a non-conservative amino acid change located in the A-band region of the encoded protein sequence. Algorithms developed to predict the effect of missense changes on protein structure and function are either unavailable or do not agree on the potential impact of this missense change. The variant allele was found at a frequency of 9.6e-05 in 1606572 control chromosomes, predominantly at a frequency of 0.0016 within the South Asian subpopulation in the gnomAD database (v4.1 dataset), including 2 homozygotes. The observed variant frequency within South Asian control individuals in the gnomAD database exceeds the estimated maximal expected allele frequency for disease-causing variants in TTN. To our knowledge, no occurrence of c.73332G>T in individuals affected with TTN-related conditions and no experimental evidence demonstrating its impact on protein function have been reported. ClinVar contains an entry for this variant (Variation ID: 592738). Based on the evidence outlined above, the variant was classified as likely benign.

Revvity Omics, Revvity
Classification: Uncertain significance. Last evaluated: 2024-10-04. Review status: criteria provided, single submitter. Criteria: ACMG Guidelines, 2015. Collection method: clinical testing. Allele origin: germline.

Baylor Genetics
Classification: Uncertain significance for Tibial muscular dystrophy. Last evaluated: 2024-03-28. Review status: criteria provided, single submitter. Criteria: ACMG Guidelines, 2015. Collection method: clinical testing. Allele origin: unknown.

Ambry Genetics
Classification: Uncertain significance for Cardiovascular phenotype. Last evaluated: 2018-09-12. Review status: criteria provided, single submitter. Criteria: Ambry Variant Classification Scheme 2023. Collection method: clinical testing. Allele origin: germline.
Comment: The p.K17947N variant (also known as c.53841G>T), located in coding exon 153 of the TTN gene, results from a G to T substitution at nucleotide position 53841. The lysine at codon 17947 is replaced by asparagine, an amino acid with similar properties. Based on data from gnomAD, the T allele has an overall frequency of approximately 0.02% ((48/245328) total alleles studied. The highest observed frequency was 0.16% (48/30764) of South Asian alleles. This amino acid position is highly conserved in available vertebrate species. In addition, this alteration is predicted to be tolerated by in silico analysis. Since supporting evidence is limited at this time, the clinical significance of this alteration remains unclear.

Eurofins Ntd Llc (ga)
Classification: Uncertain significance. Last evaluated: 2018-08-10. Review status: criteria provided, single submitter. Criteria: EGL ClinVar v180209 classification definitions. Collection method: clinical testing. Allele origin: germline. Observed: 2 variant alleles, 2 heterozygotes.

CHEO Genetics Diagnostic Laboratory, Children's Hospital of Eastern Ontario
Classification: Uncertain significance for Cardiomyopathy. Last evaluated: 2016-10-27. Review status: criteria provided, single submitter. Criteria: ACMG Guidelines, 2015. Collection method: clinical testing. Allele origin: germline. Study: Canadian Open Genetics Repository.

Genetics and Genomics Program, Sidra Medicine
Classification: Likely benign for Hypertrophic cardiomyopathy. Review status: criteria provided, single submitter. Criteria: ACMG Guidelines, 2015. Collection method: research. Allele origin: unknown. Affected: yes. Observed: 1 variant allele.

NM_001267550.2(TTN):c.81036G>T (p.Lys27012Asn)

Genes: TTN (titin; minus strand), TTN-AS1 (TTN antisense RNA 1; plus strand). Cytogenetic location: 2q31.2.
Variant type: single nucleotide variant.
Coding change: c.81036G>T on transcript NM_001267550.2 (MANE Select); coding-DNA position 81036, G replaced by T.
Protein change: p.Lys27012Asn; replaces lysine 27012 with asparagine.
Molecular consequence: missense variant.
Genome position (GRCh38, 1-based): chr2:178,565,096, C>A on the plus strand (G>T on the coding strand, the complement: TTN is on the minus strand). VCF-style: chr2-178565096-C-A. GRCh37 (hg19) VCF-style: chr2-179429823-C-A.
Other names: c.76113G>T, p.Lys25371Asn (NM_001256850.1); c.53841G>T, p.Lys17947Asn (NM_003319.4); c.73332G>T, p.Lys24444Asn (NM_133378.4); c.54216G>T, p.Lys18072Asn (NM_133432.3); c.54417G>T, p.Lys18139Asn (NM_133437.4); short protein forms K27012N, K24444N, K25371N, K17947N, K18072N, K18139N.
Identifiers: ClinVar variation 592738 (VCV000592738.17), dbSNP rs550999055, ClinGen allele CA1989258.